The following is an entry in ClinVar:

NM_020699.4(GATAD2B):c.761C>A (p.Thr254Asn)

Gene: GATAD2B (GATA zinc finger domain containing 2B; minus strand). Cytogenetic location: 1q21.3.
Variant type: single nucleotide variant.
Coding change: c.761C>A on transcript NM_020699.4 (MANE Select); coding-DNA position 761, C replaced by A.
Protein change: p.Thr254Asn; replaces threonine 254 with asparagine.
Molecular consequence: missense variant.
Genome position (GRCh38, 1-based): chr1:153,817,511, G>T on the plus strand (C>A on the coding strand, the complement: GATAD2B is on the minus strand). VCF-style: chr1-153817511-G-T. GRCh37 (hg19) VCF-style: chr1-153789987-G-T.
Other names: short protein forms T254N.
Identifiers: ClinVar variation 2727225 (VCV002727225.3), dbSNP rs2525252746, ClinGen allele CA342530920.

ClinVar aggregate classification (germline): Uncertain significance (1 of 4 stars; one submission).

Submission:

Labcorp Genetics (formerly Invitae), Labcorp
Classification: Uncertain significance. Last evaluated: 2023-06-24. Review status: criteria provided, single submitter. Criteria: Invitae Variant Classification Sherloc (09022015). Collection method: clinical testing. Allele origin: germline.
Comment: In summary, the available evidence is currently insufficient to determine the role of this variant in disease. Therefore, it has been classified as a Variant of Uncertain Significance. Advanced modeling of protein sequence and biophysical properties (such as structural, functional, and spatial information, amino acid conservation, physicochemical variation, residue mobility, and thermodynamic stability) performed at Invitae indicates that this missense variant is not expected to disrupt GATAD2B protein function. This variant has not been reported in the literature in individuals affected with GATAD2B-related conditions. This variant is not present in population databases (gnomAD no frequency). This sequence change replaces threonine, which is neutral and polar, with asparagine, which is neutral and polar, at codon 254 of the GATAD2B protein (p.Thr254Asn).